The following is an entry in ClinVar:

ClinVar aggregate classification (germline): Uncertain significance. Review status: criteria provided, multiple submitters, no conflicts (2 of 4 stars). 2 submissions from 2 submitters: Uncertain significance (2). Last evaluated 2025-03-22.

Conditions:
Inborn genetic diseases. Identifiers: MedGen C0950123, MeSH D030342.

Allele frequency attached by ClinVar (database versions not stated): TOPMed 0.00003; gnomAD 0.00004; gnomAD exomes 0.00004 and 0.00003; ExAC 0.00003.
gnomAD v4.1: 45 of 1,609,078 alleles (0.0028%); highest among the groups gnomAD compares: Non-Finnish European, 0.0036%; no homozygotes.

Submissions (2):

Ambry Genetics
Classification: Uncertain significance for Inborn genetic diseases. Last evaluated: 2025-03-22. Review status: criteria provided, single submitter. Criteria: Ambry Variant Classification Scheme 2023. Collection method: clinical testing. Allele origin: germline.

Labcorp Genetics (formerly Invitae), Labcorp
Classification: Uncertain significance. Last evaluated: 2023-06-10. Review status: criteria provided, single submitter. Criteria: Invitae Variant Classification Sherloc (09022015). Collection method: clinical testing. Allele origin: germline.
Comment: In summary, the available evidence is currently insufficient to determine the role of this variant in disease. Therefore, it has been classified as a Variant of Uncertain Significance. Advanced modeling of protein sequence and biophysical properties (such as structural, functional, and spatial information, amino acid conservation, physicochemical variation, residue mobility, and thermodynamic stability) performed at Invitae indicates that this missense variant is not expected to disrupt NBAS protein function. ClinVar contains an entry for this variant (Variation ID: 1495692). This variant has not been reported in the literature in individuals affected with NBAS-related conditions. This variant is present in population databases (rs767891487, gnomAD 0.009%). This sequence change replaces lysine, which is basic and polar, with glutamic acid, which is acidic and polar, at codon 1389 of the NBAS protein (p.Lys1389Glu).

NM_015909.4(NBAS):c.4165A>G (p.Lys1389Glu)

Gene: NBAS (NBAS subunit of NRZ tethering complex; minus strand). Cytogenetic location: 2p24.3.
Variant type: single nucleotide variant.
Coding change: c.4165A>G on transcript NM_015909.4 (MANE Select); coding-DNA position 4165, A replaced by G.
Protein change: p.Lys1389Glu; replaces lysine 1389 with glutamic acid.
Molecular consequence: missense variant. On other transcripts: non-coding transcript variant (1).
Genome position (GRCh38, 1-based): chr2:15,352,006, T>C on the plus strand (A>G on the coding strand, the complement: NBAS is on the minus strand). VCF-style: chr2-15352006-T-C. GRCh37 (hg19) VCF-style: chr2-15492130-T-C.
Other names: c.4165A>G (NM_015909.2); short protein forms K1389E.
Identifiers: ClinVar variation 1495692 (VCV001495692.7), dbSNP rs767891487, ClinGen allele CA1535768.